The following is an entry in ClinVar:

NM_001375405.1(CEP120):c.358A>G (p.Thr120Ala)

Gene: CEP120 (centrosomal protein 120; minus strand). Cytogenetic location: 5q23.2.
Variant type: single nucleotide variant.
Coding change: c.358A>G on transcript NM_001375405.1 (MANE Select); coding-DNA position 358, A replaced by G.
Protein change: p.Thr120Ala; replaces threonine 120 with alanine.
Molecular consequence: missense variant. On other transcripts: 5 prime UTR variant (2), non-coding transcript variant (1).
Genome position (GRCh38, 1-based): chr5:123,412,504, T>C on the plus strand (A>G on the coding strand, the complement: CEP120 is on the minus strand). VCF-style: chr5-123412504-T-C. GRCh37 (hg19) VCF-style: chr5-122748198-T-C.
Other names: c.280A>G, p.Thr94Ala (NM_001166226.2); c.358A>G, p.Thr120Ala (NM_001375406.1, NM_001375407.1, NM_153223.4); c.-391A>G (NM_001375408.1); c.-333A>G (NM_001375409.1); short protein forms T94A, T120A.
Identifiers: ClinVar variation 839155 (VCV000839155.8), dbSNP rs202103949, ClinGen allele CA3387259.

ClinVar aggregate classification (germline): Conflicting classifications of pathogenicity. Review status: criteria provided, conflicting classifications (1 of 4 stars). 4 submissions from 4 submitters: Uncertain significance (3); Likely benign (1). Last evaluated 2024-11-11.

Conditions:
Inborn genetic diseases. Identifiers: MedGen C0950123, MeSH D030342.
Short-rib thoracic dysplasia 13 with or without polydactyly (SRTD13). Identifiers: Orphanet 474, MedGen C4225378, MONDO:0014577, OMIM 616300.

Allele frequency attached by ClinVar (database versions not stated): TOPMed 0.00012; gnomAD 0.00013 and 0.00014; gnomAD exomes 0.00014; ExAC 0.00020; ESP Exome Variant Server 0.00034.
gnomAD v4.1: 231 of 1,611,570 alleles (0.014%); highest among the groups gnomAD compares: Non-Finnish European, 0.017%; no homozygotes.

Submissions (4):

Labcorp Genetics (formerly Invitae), Labcorp
Classification: Uncertain significance for Short-rib thoracic dysplasia 13 with or without polydactyly. Last evaluated: 2024-11-11. Review status: criteria provided, single submitter. Criteria: Invitae Variant Classification Sherloc (09022015). Collection method: clinical testing. Allele origin: germline.
Comment: This sequence change replaces threonine, which is neutral and polar, with alanine, which is neutral and non-polar, at codon 120 of the CEP120 protein (p.Thr120Ala). This variant is present in population databases (rs202103949, gnomAD 0.02%). This variant has not been reported in the literature in individuals affected with CEP120-related conditions. ClinVar contains an entry for this variant (Variation ID: 839155). Invitae Evidence Modeling of protein sequence and biophysical properties (such as structural, functional, and spatial information, amino acid conservation, physicochemical variation, residue mobility, and thermodynamic stability) indicates that this missense variant is not expected to disrupt CEP120 protein function with a negative predictive value of 80%. In summary, the available evidence is currently insufficient to determine the role of this variant in disease. Therefore, it has been classified as a Variant of Uncertain Significance.

Blueprint Genetics
Classification: Uncertain significance. Last evaluated: 2023-10-16. Review status: criteria provided, single submitter. Criteria: ACMG Guidelines, 2015. Collection method: clinical testing. Allele origin: germline.

Ambry Genetics
Classification: Likely benign for Inborn genetic diseases. Last evaluated: 2022-10-03. Review status: criteria provided, single submitter. Criteria: Ambry Variant Classification Scheme 2023. Collection method: clinical testing. Allele origin: germline.

GeneDx
Classification: Uncertain significance. Last evaluated: 2022-01-15. Review status: criteria provided, single submitter. Criteria: GeneDx Variant Classification Process June 2021. Collection method: clinical testing. Allele origin: germline. Affected: yes.
Comment: In silico analysis supports that this missense variant does not alter protein structure/function; Has not been previously published as pathogenic or benign to our knowledge